The following is an entry in ClinVar:

NM_017739.4(POMGNT1):c.1739G>A (p.Arg580Gln)

Genes: POMGNT1 (protein O-linked mannose N-acetylglucosaminyltransferase 1 (beta 1,2-); minus strand), TSPAN1 (tetraspanin 1; plus strand). Cytogenetic location: 1p34.1.
Variant type: single nucleotide variant.
Coding change: c.1739G>A on transcript NM_017739.4 (MANE Select); coding-DNA position 1739, G replaced by A.
Protein change: p.Arg580Gln; replaces arginine 580 with glutamine.
Molecular consequence: missense variant.
Genome position (GRCh38, 1-based): chr1:46,189,900, C>T on the plus strand (G>A on the coding strand, the complement: POMGNT1 is on the minus strand). VCF-style: chr1-46189900-C-T. GRCh37 (hg19) VCF-style: chr1-46655572-C-T.
Other names: c.1673G>A, p.Arg558Gln (NM_001290129.3); c.1310G>A, p.Arg437Gln (NM_001290130.2); c.1739G>A, p.Arg580Gln (NM_001410783.1, NM_001243766.2); c.1739G>A (NM_017739.3); short protein forms R437Q, R558Q, R580Q.
Identifiers: ClinVar variation 2932787 (VCV002932787.3), dbSNP rs772158768, ClinGen allele CA833255.
Genomic context (GRCh38, chr1:46,189,900, plus strand): 5'-TGGTATTGGAGCACCTTGGCAAGCTGGGTCCAGGTGGTGAAGTCATCATCTTTCTCCATT[C>T]GAATAAAGGCCACGTAGGTGTGGCCCTCTGTGTCTGGCAGGAAAGAGTCTTCACAAGGGT-3'
Protein context (NP_060209.4, residues 570-590): TEGHTYVAFI[Arg580Gln]MEKDDDFTTW

ClinVar aggregate classification (germline): Uncertain significance. Review status: criteria provided, multiple submitters, no conflicts (2 of 4 stars). 3 submissions from 3 submitters: Uncertain significance (3). Last evaluated 2026-03-05.

Conditions:
Retinal dystrophy. Also called: Inherited retinal dystrophy. Identifiers: Orphanet 71862, MedGen C0854723, MeSH D058499, MONDO:0019118, HP:0000556.
Autosomal recessive limb-girdle muscular dystrophy type 2O. Also called: Limb-Girdle Muscular Dystrophy Type 3C; MUSCULAR DYSTROPHY-DYSTROGLYCANOPATHY (LIMB-GIRDLE), TYPE C, 3; MUSCULAR DYSTROPHY-DYSTROGLYCANOPATHY, LIMB-GIRDLE, POMGNT1-RELATED. Identifiers: Orphanet 206564, MedGen C3150417, MONDO:0013161, OMIM 613157.
Muscular dystrophy-dystroglycanopathy (congenital with impaired intellectual development), type B, 3. Also called: MUSCULAR DYSTROPHY, CONGENITAL, POMGNT1-RELATED; Muscular dystrophy-dystroglycanopathy (congenital with intellectual disability), type B3. Identifiers: MedGen C3150412, MONDO:0013155, OMIM 613151.

Allele frequency attached by ClinVar (database versions not stated): gnomAD exomes 0.00001; ExAC 0.00002; gnomAD 0.00003.
gnomAD v4.1: 21 of 1,613,850 alleles (0.0013%); highest among the groups gnomAD compares: South Asian, 0.0022%; no homozygotes.

Submissions (3):

GeneDx
Classification: Uncertain significance. Last evaluated: 2026-03-05. Review status: criteria provided, single submitter. Criteria: GeneDx Variant Classification Process June 2021. Collection method: clinical testing. Allele origin: germline.
Comment: Not observed at significant frequency in large population cohorts (gnomAD); In silico analysis suggests that this missense variant does not alter protein structure/function; Has not been previously published as pathogenic or benign to our knowledge; This variant is associated with the following publications: (PMID: 24282183)

Labcorp Genetics (formerly Invitae), Labcorp
Classification: Uncertain significance for Autosomal recessive limb-girdle muscular dystrophy type 2O; Muscular dystrophy-dystroglycanopathy (congenital with impaired intellectual development), type B, 3. Last evaluated: 2024-01-18. Review status: criteria provided, single submitter. Criteria: Invitae Variant Classification Sherloc (09022015). Collection method: clinical testing. Allele origin: germline.
Comment: This sequence change replaces arginine, which is basic and polar, with glutamine, which is neutral and polar, at codon 580 of the POMGNT1 protein (p.Arg580Gln). This variant is present in population databases (rs772158768, gnomAD 0.02%). This variant has not been reported in the literature in individuals affected with POMGNT1-related conditions. Advanced modeling of protein sequence and biophysical properties (such as structural, functional, and spatial information, amino acid conservation, physicochemical variation, residue mobility, and thermodynamic stability) performed at Invitae indicates that this missense variant is not expected to disrupt POMGNT1 protein function with a negative predictive value of 95%. In summary, the available evidence is currently insufficient to determine the role of this variant in disease. Therefore, it has been classified as a Variant of Uncertain Significance.

Dept Of Ophthalmology, Nagoya University
Classification: Uncertain significance for Retinal dystrophy. Last evaluated: 2023-10-01. Review status: criteria provided, single submitter. Criteria: Submitter's publication. Collection method: research. Allele origin: germline. Affected: yes.